The following is an entry in ClinVar:

NM_000059.4(BRCA2):c.1579C>T (p.Pro527Ser)

Gene: BRCA2 (BRCA2 DNA repair associated; plus strand). Cytogenetic location: 13q13.1.
Variant type: single nucleotide variant.
Coding change: c.1579C>T on transcript NM_000059.4 (MANE Select); coding-DNA position 1579, C replaced by T.
Protein change: p.Pro527Ser; replaces proline 527 with serine.
Molecular consequence: missense variant.
Genome position (GRCh38, 1-based): chr13:32,333,057, C>T. VCF-style: chr13-32333057-C-T. GRCh37 (hg19) VCF-style: chr13-32907194-C-T.
Other names: short protein forms P527S.
Identifiers: ClinVar variation 819591 (VCV000819591.19), dbSNP rs758025325, ClinGen allele CA6940528.

ClinVar aggregate classification (germline): Conflicting classifications of pathogenicity. Review status: criteria provided, conflicting classifications (1 of 4 stars). 5 submissions from 5 submitters: Uncertain significance (4); Likely benign (1). Last evaluated 2025-10-05.

Conditions:
Hereditary cancer-predisposing syndrome. Also called: Neoplastic Syndromes, Hereditary; Tumor predisposition; Hereditary Cancer Syndrome; Hereditary neoplastic syndrome. Identifiers: Orphanet 140162, MedGen C0027672, MeSH D009386, MONDO:0015356.
Hereditary breast ovarian cancer syndrome. Also called: Hereditary breast and/or ovarian cancer syndrome; BRCA1- and BRCA2-Associated Hereditary Breast and Ovarian Cancer; Hereditary breast and ovarian cancer syndrome; Hereditary breast and ovarian cancer; Hereditary breast and ovarian cancer syndrome (HBOC); Breast and ovarian cancer. Identifiers: Orphanet 145, MedGen C0677776, MeSH D061325, MONDO:0003582. Disease mechanism: loss of function.

Allele frequency attached by ClinVar (database versions not stated): gnomAD exomes below 0.00001 and 0.00001; ExAC 0.00001.
gnomAD v4.1: 8 of 1,609,698 alleles (0.0005%); highest among the groups gnomAD compares: South Asian, 0.0067%; no homozygotes.

Submissions (5):

Ambry Genetics
Classification: Uncertain significance for Hereditary cancer-predisposing syndrome. Last evaluated: 2025-10-05. Review status: criteria provided, single submitter. Criteria: Ambry Variant Classification Scheme 2023. Collection method: clinical testing. Allele origin: germline.
Comment: The p.P527S variant (also known as c.1579C>T), located in coding exon 9 of the BRCA2 gene, results from a C to T substitution at nucleotide position 1579. The proline at codon 527 is replaced by serine, an amino acid with similar properties. This amino acid position is poorly conserved in available vertebrate species. In addition, this alteration is predicted to be tolerated by in silico analysis. Since supporting evidence is limited at this time, the clinical significance of this alteration remains unclear.

Labcorp Genetics (formerly Invitae), Labcorp
Classification: Uncertain significance for Hereditary breast ovarian cancer syndrome. Last evaluated: 2025-07-02. Review status: criteria provided, single submitter. Criteria: Invitae Variant Classification Sherloc (09022015). Collection method: clinical testing. Allele origin: germline.
Comment: This sequence change replaces proline, which is neutral and non-polar, with serine, which is neutral and polar, at codon 527 of the BRCA2 protein (p.Pro527Ser). This variant is present in population databases (rs758025325, gnomAD 0.003%). This variant has not been reported in the literature in individuals affected with BRCA2-related conditions. ClinVar contains an entry for this variant (Variation ID: 819591). Invitae Evidence Modeling of protein sequence and biophysical properties (such as structural, functional, and spatial information, amino acid conservation, physicochemical variation, residue mobility, and thermodynamic stability) indicates that this missense variant is not expected to disrupt BRCA2 protein function with a negative predictive value of 95%. In summary, the available evidence is currently insufficient to determine the role of this variant in disease. Therefore, it has been classified as a Variant of Uncertain Significance.

Quest Diagnostics Nichols Institute San Juan Capistrano
Classification: Uncertain significance. Last evaluated: 2025-04-18. Review status: criteria provided, single submitter. Criteria: Quest Diagnostics criteria. Collection method: clinical testing. Allele origin: unknown.
Comment: The BRCA2 c.1579C>T (p.Pro527Ser) variant has been reported in the published literature in to be located in a region of the BRCA2 gene that is tolerant to missense sequence changes (PMID: 31911673 (2020)). To the best of our knowledge, this variant has not been reported in individuals with BRCA2-related disorders. The frequency of this variant in the general population (Genome Aggregation Database) is uninformative in the assessment of its pathogenicity. Analysis of this variant using bioinformatics tools for the prediction of the effect of amino acid changes on protein structure and function yielded predictions that this variant is benign. Based on the available information, we are unable to determine the clinical significance of this variant.

Color Diagnostics, LLC DBA Color Health
Classification: Uncertain significance for Hereditary cancer-predisposing syndrome. Last evaluated: 2023-12-05. Review status: criteria provided, single submitter. Criteria: ACMG Guidelines, 2015. Collection method: clinical testing. Allele origin: germline.
Comment: This missense variant replaces proline with serine at codon 527 of the BRCA2 protein. Computational prediction suggests that this variant may not impact protein structure and function (internally defined REVEL score threshold <= 0.5, PMID: 27666373). To our knowledge, functional studies have not been reported for this variant. This variant has not been reported in individuals affected with BRCA2-related disorders in the literature. This variant has been identified in 1/246826 chromosomes in the general population by the Genome Aggregation Database (gnomAD). The available evidence is insufficient to determine the role of this variant in disease conclusively. Therefore, this variant is classified as a Variant of Uncertain Significance.

University of Washington Department of Laboratory Medicine, University of Washington
Classification: Likely benign for Hereditary cancer-predisposing syndrome. Last evaluated: 2023-03-23. Review status: criteria provided, single submitter. Criteria: Dines et al. (Genet Med. 2020). Collection method: curation. Allele origin: germline.
Comment: Missense variant in a coldspot region where missense variants are very unlikely to be pathogenic (PMID:31911673).

BRCA2 exon 10 coldspot. Reclassification based on statistical prior probability.

Literature cited by the submitters: PubMed 31911673 (cited by Quest Diagnostics Nichols Institute San Juan Capistrano).